The following is an entry in ClinVar:

NM_000179.3(MSH6):c.1635del (p.Glu546fs)

Gene: MSH6 (mutS homolog 6; plus strand). Cytogenetic location: 2p16.3.
Variant type: Deletion.
Coding change: c.1635del on transcript NM_000179.3 (MANE Select); coding-DNA position 1635, one base deleted (A; older notation c.1635delA).
Protein change: p.Glu546fs; shifts the reading frame from glutamic acid 546.
Molecular consequence: frameshift variant.
Genome position (GRCh38, 1-based): chr2:47,799,618, A deleted; the last of 5 consecutive A bases (chr2:47,799,614-47,799,618); deleting any one gives the same sequence. VCF-style (leftmost placement, unchanged base first): chr2-47799613-GA-G. GRCh37 (hg19) VCF-style: chr2-48026752-GA-G.
Other names: c.1245del, p.Glu416fs (NM_001281492.2); c.729del, p.Glu244fs (NM_001281493.2, NM_001281494.2); c.1731delA, p.Glu578Argfs (NM_001406795.1, NM_001406802.1); c.1635delA, p.Glu546Argfs (NM_001406796.1, NM_001406798.1, NM_001406800.1 and 3 more transcripts); c.1338delA, p.Glu447Argfs (NM_001406797.1, NM_001406801.1, NM_001406805.1 and 10 more transcripts); c.1110delA, p.Glu371Argfs (NM_001406799.1, NM_001406806.1, NM_001406807.1); c.1557delA, p.Glu520Argfs (NM_001406804.1); c.729delA, p.Glu244Argfs (NM_001406811.1, NM_001406812.1, NM_001406814.1 and 4 more transcripts); and 2 more; short protein forms E416fs, E244fs, E546fs.
Identifiers: ClinVar variation 1776915 (VCV001776915.2), dbSNP rs267608064, ClinGen allele CA2580067660.
Genomic context (GRCh38, chr2:47,799,613, plus strand): 5'-TACAGTGTGCTGGAAGGTGATCCCTCTGAGAACTACAGTAAGTATCTTCTTAGCCTCAAA[GA>G]AAAAGAGGAAGATTCTTCTGGCCATACTCGTGCATATGGTGTGTGCTTTGTTGATACTTC-3'

ClinVar aggregate classification (germline): Pathogenic (1 of 4 stars; one submission).

Conditions:
Hereditary cancer-predisposing syndrome. Also called: Neoplastic Syndromes, Hereditary; Tumor predisposition; Hereditary Cancer Syndrome; Hereditary neoplastic syndrome. Identifiers: Orphanet 140162, MedGen C0027672, MeSH D009386, MONDO:0015356.

Submission:

Ambry Genetics
Classification: Pathogenic for Hereditary cancer-predisposing syndrome. Last evaluated: 2019-01-25. Review status: criteria provided, single submitter. Criteria: Ambry Variant Classification Scheme 2023. Collection method: clinical testing. Allele origin: germline.
Comment: The c.1635delA pathogenic mutation, located in coding exon 4 of the MSH6 gene, results from a deletion of one nucleotide at nucleotide position 1635, causing a translational frameshift with a predicted alternate stop codon (p.E546Rfs*25). This alteration is expected to result in loss of function by premature protein truncation or nonsense-mediated mRNA decay. As such, this alteration is interpreted as a disease-causing mutation.